The following is an entry in ClinVar:

ClinVar aggregate classification (germline): Uncertain significance (1 of 4 stars; one submission).

Conditions:
Hereditary spastic paraplegia 11. Also called: Spastic paraplegia, mental retardation and thin corpus callosum; Nakamura Osame syndrome; Autosomal recessive hereditary spastic paraplegia, mental impairment, and thin corpus callosum; SPASTIC PARAPLEGIA, AUTOSOMAL RECESSIVE, COMPLICATED, WITH THIN CORPUS CALLOSUM; SPASTIC PARAPLEGIA, AUTOSOMAL RECESSIVE, WITH MENTAL IMPAIRMENT AND THIN CORPUS CALLOSUM; Spastic Paraplegia 11. Identifiers: Orphanet 2822, MedGen C1858479, MONDO:0011445, OMIM 604360.

gnomAD v4.1: 6 of 1,614,128 alleles (0.00037%); highest among the groups gnomAD compares: Admixed American, 0.0033%; no homozygotes.

Submission:

Labcorp Genetics (formerly Invitae), Labcorp
Classification: Uncertain significance for Hereditary spastic paraplegia 11. Last evaluated: 2022-10-17. Review status: criteria provided, single submitter. Criteria: Invitae Variant Classification Sherloc (09022015). Collection method: clinical testing. Allele origin: germline.
Comment: In summary, the available evidence is currently insufficient to determine the role of this variant in disease. Therefore, it has been classified as a Variant of Uncertain Significance. Advanced modeling of protein sequence and biophysical properties (such as structural, functional, and spatial information, amino acid conservation, physicochemical variation, residue mobility, and thermodynamic stability) performed at Invitae indicates that this missense variant is expected to disrupt SPG11 protein function. This variant has not been reported in the literature in individuals affected with SPG11-related conditions. This variant is present in population databases (no rsID available, gnomAD 0.006%). This sequence change replaces serine, which is neutral and polar, with cysteine, which is neutral and slightly polar, at codon 1183 of the SPG11 protein (p.Ser1183Cys).

NM_025137.4(SPG11):c.3548C>G (p.Ser1183Cys)

Gene: SPG11 (SPG11 vesicle trafficking associated, spatacsin; minus strand). Cytogenetic location: 15q21.1.
Variant type: single nucleotide variant.
Coding change: c.3548C>G on transcript NM_025137.4 (MANE Select); coding-DNA position 3548, C replaced by G.
Protein change: p.Ser1183Cys; replaces serine 1183 with cysteine.
Molecular consequence: missense variant.
Genome position (GRCh38, 1-based): chr15:44,600,605, G>C on the plus strand (C>G on the coding strand, the complement: SPG11 is on the minus strand). VCF-style: chr15-44600605-G-C. GRCh37 (hg19) VCF-style: chr15-44892803-G-C.
Other names: c.3548C>G, p.Ser1183Cys (NM_001160227.2, NM_001411132.1); short protein forms S1183C.
Identifiers: ClinVar variation 1930701 (VCV001930701.5), dbSNP rs754793352, ClinGen allele CA392231310.
Genomic context (GRCh38, chr15:44,600,605, plus strand): 5'-AAATAATAAGCAAAATTCAGACGTTCCACTATAGCATATTTATTAACCAGGTCAGGGCTA[G>C]AGAAATGTGGGAGATGACTCCATGCATCTAGGGGGAAAGTAAAACAATATTAATTATCTG-3'
Protein context (NP_079413.3, residues 1173-1193): GDAWSHLPHF[Ser1183Cys]SPDLVNKYAI